The following is an entry in ClinVar:

ClinVar aggregate classification (germline): Pathogenic (0 of 4 stars; one submission).

Submission:

GenMed Metabolism Lab
Classification: Pathogenic. Review status: no assertion criteria provided. Collection method: not provided. Allele origin: unknown.
ClinVar note: Converted during submission from pathogenic to Pathogenic.

NM_000531.6(OTC):c.106C>T (p.Gln36Ter)

Gene: OTC (ornithine transcarbamylase; plus strand). Cytogenetic location: Xp11.4.
Variant type: single nucleotide variant.
Coding change: c.106C>T on transcript NM_000531.6 (MANE Select); coding-DNA position 106, C replaced by T.
Protein change: p.Gln36Ter; replaces glutamine 36 with a stop codon.
Molecular consequence: nonsense.
Genome position (GRCh38, 1-based): chrX:38,367,319, C>T. VCF-style: chrX-38367319-C-T. GRCh37 (hg19) VCF-style: chrX-38226572-C-T.
Other names: short protein forms Q36*.
Identifiers: ClinVar variation 97105 (VCV000097105.2), dbSNP rs72554305, ClinGen allele CA224451.